The following is an entry in ClinVar:

ClinVar aggregate classification (germline): Uncertain significance. Review status: criteria provided, multiple submitters, no conflicts (2 of 4 stars). 2 submissions from 2 submitters: Uncertain significance (2). Last evaluated 2025-11-10.

Conditions:
Tuberous sclerosis 1 (TSC1). Identifiers: Orphanet 805, MedGen C1854465, MONDO:0008612, OMIM 191100.
Hereditary cancer-predisposing syndrome. Also called: Hereditary neoplastic syndrome; Tumor predisposition; Neoplastic Syndromes, Hereditary; Hereditary Cancer Syndrome. Identifiers: Orphanet 140162, MedGen C0027672, MeSH D009386, MONDO:0015356.

Submissions (2):

Labcorp Genetics (formerly Invitae), Labcorp
Classification: Uncertain significance for Tuberous sclerosis 1. Last evaluated: 2025-11-10. Review status: criteria provided, single submitter. Criteria: Invitae Variant Classification Sherloc (09022015). Collection method: clinical testing. Allele origin: germline.
Comment: This sequence change replaces histidine, which is basic and polar, with arginine, which is basic and polar, at codon 776 of the TSC1 protein (p.His776Arg). This variant is not present in population databases (gnomAD no frequency). This variant has not been reported in the literature in individuals affected with TSC1-related conditions. ClinVar contains an entry for this variant (Variation ID: 2472153). Invitae Evidence Modeling of protein sequence and biophysical properties (such as structural, functional, and spatial information, amino acid conservation, physicochemical variation, residue mobility, and thermodynamic stability) indicates that this missense variant is not expected to disrupt TSC1 protein function with a negative predictive value of 95%. In summary, the available evidence is currently insufficient to determine the role of this variant in disease. Therefore, it has been classified as a Variant of Uncertain Significance.

Ambry Genetics
Classification: Uncertain significance for Hereditary cancer-predisposing syndrome. Last evaluated: 2022-12-05. Review status: criteria provided, single submitter. Criteria: Ambry Variant Classification Scheme 2023. Collection method: clinical testing. Allele origin: germline.
Comment: The p.H776R variant (also known as c.2327A>G), located in coding exon 16 of the TSC1 gene, results from an A to G substitution at nucleotide position 2327. The histidine at codon 776 is replaced by arginine, an amino acid with highly similar properties. This amino acid position is conserved. In addition, this alteration is predicted to be tolerated by in silico analysis. Since supporting evidence is limited at this time, the clinical significance of this alteration remains unclear.

NM_000368.5(TSC1):c.2327A>G (p.His776Arg)

Gene: TSC1 (TSC complex subunit 1; minus strand). Cytogenetic location: 9q34.13.
Variant type: single nucleotide variant.
Coding change: c.2327A>G on transcript NM_000368.5 (MANE Select); coding-DNA position 2327, A replaced by G.
Protein change: p.His776Arg; replaces histidine 776 with arginine.
Molecular consequence: missense variant. On other transcripts: non-coding transcript variant (5).
Genome position (GRCh38, 1-based): chr9:132,902,669, T>C on the plus strand (A>G on the coding strand, the complement: TSC1 is on the minus strand). VCF-style: chr9-132902669-T-C. GRCh37 (hg19) VCF-style: chr9-135778056-T-C.
Other names: c.2324A>G, p.His775Arg (NM_001162426.2, NM_001406597.1, NM_001406598.1 and 4 more transcripts); c.2174A>G, p.His725Arg (NM_001162427.2, NM_001406610.1); c.1964A>G, p.His655Arg (NM_001362177.2, NM_001406618.1, NM_001406619.1 and 5 more transcripts); c.2327A>G, p.His776Arg (NM_001406592.1, NM_001406593.1, NM_001406594.1 and 5 more transcripts); c.2312A>G, p.His771Arg (NM_001406601.1, NM_001406602.1); c.2309A>G, p.His770Arg (NM_001406603.1, NM_001406604.1); c.1961A>G, p.His654Arg (NM_001406620.1, NM_001406621.1, NM_001406622.1 and 2 more transcripts); c.1376A>G, p.His459Arg (NM_001406626.1); and 3 more; short protein forms H776R, H425R, H459R, H655R, H771R, H775R, H458R, H654R.
Identifiers: ClinVar variation 2472153 (VCV002472153.5), dbSNP rs2131732720, ClinGen allele CA375359501.